The following is an entry in ClinVar:

NM_000264.5(PTCH1):c.2801A>T (p.Tyr934Phe)

Gene: PTCH1 (patched 1; minus strand). Cytogenetic location: 9q22.32.
Variant type: single nucleotide variant.
Coding change: c.2801A>T on transcript NM_000264.5 (MANE Select); coding-DNA position 2801, A replaced by T.
Protein change: p.Tyr934Phe; replaces tyrosine 934 with phenylalanine.
Molecular consequence: missense variant. On other transcripts: non-coding transcript variant (1).
Genome position (GRCh38, 1-based): chr9:95,459,686, T>A on the plus strand (A>T on the coding strand, the complement: PTCH1 is on the minus strand). VCF-style: chr9-95459686-T-A. GRCh37 (hg19) VCF-style: chr9-98221968-T-A.
Other names: c.2801A>T (NM_000264.3); c.2603A>T, p.Tyr868Phe (NM_001083602.3); c.2798A>T, p.Tyr933Phe (NM_001083603.3); c.2348A>T, p.Tyr783Phe (NM_001083604.3, NM_001083605.3, NM_001083606.3 and 1 more transcripts); c.2645A>T, p.Tyr882Phe (NM_001354918.2); short protein forms Y783F, Y868F, Y882F, Y934F, Y933F.
Identifiers: ClinVar variation 1043036 (VCV001043036.12), dbSNP rs1209943415, ClinGen allele CA374113050.

ClinVar aggregate classification (germline): Conflicting classifications of pathogenicity. Review status: criteria provided, conflicting classifications (1 of 4 stars). 2 submissions from 2 submitters: Uncertain significance (1); Likely benign (1). Last evaluated 2025-05-23.

Conditions:
Hereditary cancer-predisposing syndrome. Also called: Hereditary neoplastic syndrome; Neoplastic Syndromes, Hereditary; Tumor predisposition; Hereditary Cancer Syndrome. Identifiers: Orphanet 140162, MedGen C0027672, MeSH D009386, MONDO:0015356.
Gorlin syndrome. Also called: Nevoid Basal Cell Carcinoma Syndrome; Basal cell nevus syndrome. Identifiers: Orphanet 377, MedGen C0004779, MONDO:0007187.

Allele frequency attached by ClinVar (database versions not stated): gnomAD exomes below 0.00001; TOPMed below 0.00001.
gnomAD v4.1: 2 of 1,614,224 alleles (0.00012%); highest among the groups gnomAD compares: African/African-American, 0.0013%; no homozygotes.

Submissions (2):

Ambry Genetics
Classification: Uncertain significance for Hereditary cancer-predisposing syndrome. Last evaluated: 2025-05-23. Review status: criteria provided, single submitter. Criteria: Ambry Variant Classification Scheme 2023. Collection method: clinical testing. Allele origin: germline.
Comment: The p.Y934F variant (also known as c.2801A>T), located in coding exon 17 of the PTCH1 gene, results from an A to T substitution at nucleotide position 2801. The tyrosine at codon 934 is replaced by phenylalanine, an amino acid with highly similar properties. This amino acid position is highly conserved in available vertebrate species. In addition, the in silico prediction for this alteration is inconclusive. Since supporting evidence is limited at this time, the clinical significance of this alteration remains unclear.

Labcorp Genetics (formerly Invitae), Labcorp
Classification: Likely benign for Gorlin syndrome. Last evaluated: 2025-01-24. Review status: criteria provided, single submitter. Criteria: Invitae Variant Classification Sherloc (09022015). Collection method: clinical testing. Allele origin: germline.